The following is an entry in ClinVar:

ClinVar aggregate classification (germline): Uncertain significance (1 of 4 stars; one submission).

Allele frequency attached by ClinVar (database versions not stated): TOPMed below 0.00001.
gnomAD v4.1: 3 of 1,601,182 alleles (0.00019%); highest among the groups gnomAD compares: Non-Finnish European, 0.00026%; no homozygotes.

Submission:

Labcorp Genetics (formerly Invitae), Labcorp
Classification: Uncertain significance. Last evaluated: 2025-01-23. Review status: criteria provided, single submitter. Criteria: Invitae Variant Classification Sherloc (09022015). Collection method: clinical testing. Allele origin: germline.
Comment: This sequence change replaces serine, which is neutral and polar, with tyrosine, which is neutral and polar, at codon 538 of the CDH2 protein (p.Ser538Tyr). This variant is not present in population databases (gnomAD no frequency). This variant has not been reported in the literature in individuals affected with CDH2-related conditions. ClinVar contains an entry for this variant (Variation ID: 1966759). An algorithm developed to predict the effect of missense changes on protein structure and function (PolyPhen-2) suggests that this variant is likely to be tolerated. In summary, the available evidence is currently insufficient to determine the role of this variant in disease. Therefore, it has been classified as a Variant of Uncertain Significance.

NM_001792.5(CDH2):c.1613C>A (p.Ser538Tyr)

Gene: CDH2 (cadherin 2; minus strand). Cytogenetic location: 18q12.1.
Variant type: single nucleotide variant.
Coding change: c.1613C>A on transcript NM_001792.5 (MANE Select); coding-DNA position 1613, C replaced by A.
Protein change: p.Ser538Tyr; replaces serine 538 with tyrosine.
Molecular consequence: missense variant.
Genome position (GRCh38, 1-based): chr18:27,988,652, G>T on the plus strand (C>A on the coding strand, the complement: CDH2 is on the minus strand). VCF-style: chr18-27988652-G-T. GRCh37 (hg19) VCF-style: chr18-25568616-G-T.
Other names: c.1520C>A, p.Ser507Tyr (NM_001308176.2); short protein forms S507Y, S538Y.
Identifiers: ClinVar variation 1966759 (VCV001966759.5), dbSNP rs370514300, ClinGen allele CA402108206.